The following is an entry in ClinVar:

NM_000465.4(BARD1):c.1388C>G (p.Thr463Arg)

Gene: BARD1 (BRCA1 associated RING domain 1; minus strand). Cytogenetic location: 2q35.
Variant type: single nucleotide variant.
Coding change: c.1388C>G on transcript NM_000465.4 (MANE Select); coding-DNA position 1388, C replaced by G.
Protein change: p.Thr463Arg; replaces threonine 463 with arginine.
Molecular consequence: missense variant. On other transcripts: non-coding transcript variant (3), intron variant (3).
Genome position (GRCh38, 1-based): chr2:214,769,239, G>C on the plus strand (C>G on the coding strand, the complement: BARD1 is on the minus strand). VCF-style: chr2-214769239-G-C. GRCh37 (hg19) VCF-style: chr2-215633963-G-C.
Other names: c.1331C>G, p.Thr444Arg (NM_001282543.2); c.159-16684C>G (NM_001282548.2); c.216-16684C>G (NM_001282545.2); c.364+23058C>G (NM_001282549.2); short protein forms T444R, T463R.
Identifiers: ClinVar variation 654122 (VCV000654122.9), dbSNP rs957472472, ClinGen allele CA350450089.

ClinVar aggregate classification (germline): Uncertain significance (1 of 4 stars; one submission).

Conditions:
Familial cancer of breast. Also called: hereditary breast carcinoma; BREAST CANCER, FAMILIAL; Hereditary breast cancer. Identifiers: Orphanet 227535, MedGen C0346153, MONDO:0016419, OMIM 114480. Disease mechanism: loss of function.

Submission:

Labcorp Genetics (formerly Invitae), Labcorp
Classification: Uncertain significance for Familial cancer of breast. Last evaluated: 2025-11-02. Review status: criteria provided, single submitter. Criteria: Invitae Variant Classification Sherloc (09022015). Collection method: clinical testing. Allele origin: germline.
Comment: This sequence change replaces threonine, which is neutral and polar, with arginine, which is basic and polar, at codon 463 of the BARD1 protein (p.Thr463Arg). This variant is not present in population databases (gnomAD no frequency). This variant has not been reported in the literature in individuals affected with BARD1-related conditions. ClinVar contains an entry for this variant (Variation ID: 654122). An algorithm developed to predict the effect of missense changes on protein structure and function (PolyPhen-2) suggests that this variant is likely to be disruptive. In summary, the available evidence is currently insufficient to determine the role of this variant in disease. Therefore, it has been classified as a Variant of Uncertain Significance.